The following is an entry in ClinVar:

NM_014714.4(IFT140):c.1837G>A (p.Asp613Asn)

Gene: IFT140 (intraflagellar transport 140; minus strand). Cytogenetic location: 16p13.3.
Variant type: single nucleotide variant.
Coding change: c.1837G>A on transcript NM_014714.4 (MANE Select); coding-DNA position 1837, G replaced by A.
Protein change: p.Asp613Asn; replaces aspartic acid 613 with asparagine.
Molecular consequence: missense variant.
Genome position (GRCh38, 1-based): chr16:1,566,225, C>T on the plus strand (G>A on the coding strand, the complement: IFT140 is on the minus strand). VCF-style: chr16-1566225-C-T. GRCh37 (hg19) VCF-style: chr16-1616226-C-T.
Other names: short protein forms D613N.
Identifiers: ClinVar variation 1017596 (VCV001017596.10), dbSNP rs200208525, ClinGen allele CA7814121.

ClinVar aggregate classification (germline): Conflicting classifications of pathogenicity. Review status: criteria provided, conflicting classifications (1 of 4 stars). 2 submissions from 2 submitters: Uncertain significance (1); Likely benign (1). Last evaluated 2025-04-17.

Conditions:
Saldino-Mainzer syndrome (SRTD9). Also called: CONORENAL SYNDROME; Renal dysplasia, retinal pigmentary dystrophy, cerebellar ataxia and skeletal dysplasia; short-rib thoracic dysplasia 9 with or without polydactyly; SHORT-RIB THORACIC DYSPLASIA 9 WITHOUT POLYDACTYLY. Identifiers: Orphanet 140969, MedGen C1849437, MONDO:0009964, OMIM 266920.

Allele frequency attached by ClinVar (database versions not stated): gnomAD exomes below 0.00001 and 0.00001; gnomAD 0.00001; ExAC 0.00002; 1000 Genomes Project 30x 0.00016; 1000 Genomes Project 0.00020.
gnomAD v4.1: 2 of 1,613,776 alleles (0.00012%); highest among the groups gnomAD compares: East Asian, 0.0045%; no homozygotes.

Submissions (2):

Labcorp Genetics (formerly Invitae), Labcorp
Classification: Likely benign for Saldino-Mainzer syndrome. Last evaluated: 2025-04-17. Review status: criteria provided, single submitter. Criteria: Invitae Variant Classification Sherloc (09022015). Collection method: clinical testing. Allele origin: germline.

Women's Health and Genetics/Laboratory Corporation of America, LabCorp
Classification: Uncertain significance. Last evaluated: 2025-03-26. Review status: criteria provided, single submitter. Criteria: LabCorp Variant Classification Summary - May 2015. Collection method: clinical testing. Allele origin: germline.
Comment: Variant summary: IFT140 c.1837G>A (p.Asp613Asn) results in a conservative amino acid change in the encoded protein sequence. Four of five in-silico tools predict a benign effect of the variant on protein function. The variant allele was found at a frequency of 1.2e-05 in 251486 control chromosomes (gnomAD). The available data on variant occurrences in the general population are insufficient to allow any conclusion about variant significance. c.1837G>A has been reported in the literature in one individual affected with severe oligozoospermia, asthenozoospermia, and teratozoospermia (OAT) without other physical abnormality (Wang_2019). The report does not provide unequivocal conclusions about association of the variant with Retinitis Pigmentosa. To our knowledge, no experimental evidence demonstrating an impact on protein function has been reported. The following publication have been ascertained in the context of this evaluation (PMID: 31397098). ClinVar contains an entry for this variant (Variation ID: 1017596). Based on the evidence outlined above, the variant was classified as uncertain significance.

Literature cited by the submitters: PubMed 31397098 (cited by Women's Health and Genetics/Laboratory Corporation of America, LabCorp).